The following is an entry in ClinVar:

NM_000036.3(AMPD1):c.1102A>G (p.Thr368Ala)

Gene: AMPD1 (adenosine monophosphate deaminase 1; minus strand). Cytogenetic location: 1p13.2.
Variant type: single nucleotide variant.
Coding change: c.1102A>G on transcript NM_000036.3 (MANE Select); coding-DNA position 1102, A replaced by G.
Protein change: p.Thr368Ala; replaces threonine 368 with alanine.
Molecular consequence: missense variant.
Genome position (GRCh38, 1-based): chr1:114,678,032, T>C on the plus strand (A>G on the coding strand, the complement: AMPD1 is on the minus strand). VCF-style: chr1-114678032-T-C. GRCh37 (hg19) VCF-style: chr1-115220653-T-C.
Other names: c.1090A>G, p.Thr364Ala (NM_001172626.2); short protein forms T368A, T364A.
Identifiers: ClinVar variation 952994 (VCV000952994.9), dbSNP rs1431463591, ClinGen allele CA341749216.

ClinVar aggregate classification (germline): Uncertain significance (1 of 4 stars; one submission).

Conditions:
Muscle AMP deaminase deficiency (MMDD). Also called: AMPD1 DEFICIENCY; Myoadenylate deaminase deficiency, myopathy due to; Adenosine monophosphate deaminase 1 deficiency; AMP deaminase 1 deficiency; Adenosine Monophosphate Deaminase 1; ADENOSINE MONOPHOSPHATE DEAMINASE-1 DEFICIENCY, MYOPATHY DUE TO. Identifiers: Orphanet 45, MedGen C3714933, MONDO:0014220, OMIM 615511.

Allele frequency attached by ClinVar (database versions not stated): gnomAD exomes below 0.00001 and 0.00001; TOPMed 0.00001.
gnomAD v4.1: 2 of 1,613,936 alleles (0.00012%); highest among the groups gnomAD compares: Admixed American, 0.0033%; no homozygotes.

Submission:

Labcorp Genetics (formerly Invitae), Labcorp
Classification: Uncertain significance for Muscle AMP deaminase deficiency. Last evaluated: 2022-02-04. Review status: criteria provided, single submitter. Criteria: Invitae Variant Classification Sherloc (09022015). Collection method: clinical testing. Allele origin: germline.
Comment: This sequence change replaces threonine, which is neutral and polar, with alanine, which is neutral and non-polar, at codon 401 of the AMPD1 protein (p.Thr401Ala). This variant is present in population databases (no rsID available, gnomAD 0.006%). This variant has not been reported in the literature in individuals affected with AMPD1-related conditions. ClinVar contains an entry for this variant (Variation ID: 952994). Algorithms developed to predict the effect of missense changes on protein structure and function (SIFT, PolyPhen-2, Align-GVGD) all suggest that this variant is likely to be disruptive. In summary, the available evidence is currently insufficient to determine the role of this variant in disease. Therefore, it has been classified as a Variant of Uncertain Significance.